The following is an entry in ClinVar:

NM_032043.3(BRIP1):c.1425_1429del (p.Leu475fs)

Gene: BRIP1 (BRCA1 interacting DNA helicase 1; minus strand). Cytogenetic location: 17q23.2.
Variant type: Deletion.
Coding change: c.1425_1429del on transcript NM_032043.3 (MANE Select); coding-DNA positions 1425 to 1429, 5 bases deleted (AACTT; older notation c.1425_1429delAACTT).
Protein change: p.Leu475fs; shifts the reading frame from leucine 475.
Molecular consequence: frameshift variant.
Genome position (GRCh38, 1-based): chr17:61,793,641-61,793,645, AAGTT deleted on the plus strand (AACTT on the coding strand, the reverse complement: BRIP1 is on the minus strand); deleting any 5 consecutive bases within chr17:61,793,641-61,793,648 gives the same sequence; the c. name uses the placement nearest the transcript's 3' end. VCF-style (leftmost placement, unchanged base first): chr17-61793640-AAAGTT-A. GRCh37 (hg19) VCF-style: chr17-59871001-AAAGTT-A.
Other names: c.1425_1429delAACTT (NM_032043.2).
Identifiers: ClinVar variation 487424 (VCV000487424.23), dbSNP rs768736851, ClinGen allele CA8690744.

ClinVar aggregate classification (germline): Pathogenic/Likely pathogenic. Review status: criteria provided, multiple submitters, no conflicts (2 of 4 stars). 7 submissions from 7 submitters: Pathogenic (5); Likely pathogenic (1). 1 of the submissions does not count toward it. Last evaluated 2024-10-29.

Conditions:
Fanconi anemia complementation group J. Also called: BRIP1-Related Fanconi Anemia. Identifiers: Orphanet 84, MedGen C1836860, MONDO:0012187, OMIM 609054.
Ovarian cancer. Also called: OVARIAN CANCER, SOMATIC. Identifiers: Orphanet 213500, MedGen C1140680, MONDO:0008170, OMIM 167000.
Familial cancer of breast. Also called: BREAST CANCER, FAMILIAL; hereditary breast carcinoma; Hereditary breast cancer. Identifiers: Orphanet 227535, MedGen C0346153, MONDO:0016419, OMIM 114480. Disease mechanism: loss of function.
Hereditary cancer-predisposing syndrome. Also called: Tumor predisposition; Neoplastic Syndromes, Hereditary; Hereditary Cancer Syndrome; Hereditary neoplastic syndrome. Identifiers: Orphanet 140162, MedGen C0027672, MeSH D009386, MONDO:0015356.

Submissions (7):

Labcorp Genetics (formerly Invitae), Labcorp
Classification: Pathogenic for Familial cancer of breast; Fanconi anemia complementation group J. Last evaluated: 2024-10-29. Review status: criteria provided, single submitter. Criteria: Invitae Variant Classification Sherloc (09022015). Collection method: clinical testing. Allele origin: germline.
Comment: This sequence change creates a premature translational stop signal (p.Leu475Phefs*34) in the BRIP1 gene. It is expected to result in an absent or disrupted protein product. Loss-of-function variants in BRIP1 are known to be pathogenic (PMID: 16116423, 17033622, 21964575). This variant is present in population databases (rs768736851, gnomAD 0.003%). This variant has not been reported in the literature in individuals affected with BRIP1-related conditions. ClinVar contains an entry for this variant (Variation ID: 487424). For these reasons, this variant has been classified as Pathogenic.

Myriad Genetics, Inc.
Classification: Pathogenic for Familial cancer of breast. Last evaluated: 2023-02-27. Review status: criteria provided, single submitter. Criteria: Myriad Autosomal Dominant, Autosomal Recessive and X-Linked Classification Criteria (2023). Collection method: clinical testing. Allele origin: unknown.
Comment: This variant is considered pathogenic. This variant creates a frameshift predicted to result in premature protein truncation.

Color Diagnostics, LLC DBA Color Health
Classification: Pathogenic for Hereditary cancer-predisposing syndrome. Last evaluated: 2022-08-01. Review status: criteria provided, single submitter. Criteria: ACMG Guidelines, 2015. Collection method: clinical testing. Allele origin: germline.
Comment: This variant deletes 5 nucleotides in exon 10 of the BRIP1 gene, creating a frameshift and premature translation stop signal. This variant is expected to result in an absent or non-functional protein product. This variant has been identified in 1/244556 chromosomes in the general population by the Genome Aggregation Database (gnomAD). Loss of BRIP1 function is a known mechanism of disease. Based on the available evidence, this variant is classified as Pathogenic.

Institute of Medical Genetics and Applied Genomics, University Hospital Tübingen
Classification: Pathogenic. Last evaluated: 2021-02-01. Review status: criteria provided, single submitter. Criteria: ACMG Guidelines, 2015. Collection method: clinical testing. Allele origin: germline. Inheritance: Autosomal dominant inheritance. Affected: yes.

Ambry Genetics
Classification: Pathogenic for Hereditary cancer-predisposing syndrome. Last evaluated: 2020-01-08. Review status: criteria provided, single submitter. Criteria: Ambry Variant Classification Scheme 2023. Collection method: clinical testing. Allele origin: germline.
Comment: The c.1425_1429delAACTT variant, located in coding exon 9 of the BRIP1 gene, results from a deletion of 5 nucleotides at nucleotide positions 1425 to 1429, causing a translational frameshift with a predicted alternate stop codon (p.L475Ffs*34). This alteration is expected to result in loss of function by premature protein truncation or nonsense-mediated mRNA decay. As such, this alteration is interpreted as a disease-causing mutation.

GeneDx
Classification: Likely pathogenic. Last evaluated: 2017-09-08. Review status: criteria provided, single submitter. Criteria: GeneDx Variant Classification (06012015). Collection method: clinical testing. Allele origin: germline. Affected: yes.
Comment: This deletion of five nucleotides in BRIP1 is denoted c.1425_1429delAACTT at the cDNA level and p.Leu475PhefsX34 (L475FfsX34) at the protein level. The normal sequence, with the bases that are deleted in brackets, is TCTT[delAACTT]TACA. The deletion causes a frameshift, which changes a Leucine to a Phenylalanine at codon 475 and creates a premature stop codon at position 34 of the new reading frame. Although this variant has not, to our knowledge, been reported in the literature, it is predicted to cause loss of normal protein function through either protein truncation or nonsense-mediated mRNA decay. Based on the currently available evidence, we consider this deletion to be a likely pathogenic variant.

Counsyl
Classification: Likely pathogenic for Fanconi anemia complementation group J; Ovarian cancer. Last evaluated: 2017-02-14. Review status: no assertion criteria provided. Collection method: clinical testing. Allele origin: unknown. Not counted in ClinVar's aggregate classification.

Literature cited by the submitters: PubMed 16116423 (cited by Labcorp Genetics (formerly Invitae), Labcorp); PubMed 17033622 (cited by Labcorp Genetics (formerly Invitae), Labcorp); PubMed 21964575 (cited by Labcorp Genetics (formerly Invitae), Labcorp).